The following is an entry in ClinVar:

ClinVar aggregate classification (germline): Benign/Likely benign. Review status: criteria provided, multiple submitters, no conflicts (2 of 4 stars). 3 submissions from 3 submitters: Benign (1); Likely benign (2). Last evaluated 2025-07-02.

Conditions:
Hereditary cancer-predisposing syndrome. Also called: Neoplastic Syndromes, Hereditary; Hereditary Cancer Syndrome; Hereditary neoplastic syndrome; Tumor predisposition. Identifiers: Orphanet 140162, MedGen C0027672, MeSH D009386, MONDO:0015356.
Chuvash polycythemia. Also called: POLYCYTHEMIA, VHL-DEPENDENT. Identifiers: Orphanet 238557, MedGen C1837915, MONDO:0009892, OMIM 263400.
Von Hippel-Lindau syndrome (VHLS). Also called: Von Hippel-Lindau; von Hippel–Lindau syndrome; VHL syndrome. Identifiers: Orphanet 892, MedGen C0019562, MONDO:0008667, OMIM 193300. Disease mechanism: loss of function.

Allele frequency attached by ClinVar (database versions not stated): gnomAD exomes below 0.00001.
gnomAD v4.1: 1 of 1,613,868 alleles (0.000062%); highest among the groups gnomAD compares: Non-Finnish European, 0.000085%; no homozygotes.

Submissions (3):

Labcorp Genetics (formerly Invitae), Labcorp
Classification: Likely benign for Von Hippel-Lindau syndrome; Chuvash polycythemia. Last evaluated: 2025-07-02. Review status: criteria provided, single submitter. Criteria: Invitae Variant Classification Sherloc (09022015). Collection method: clinical testing. Allele origin: germline.

Myriad Genetics, Inc.
Classification: Benign for Von Hippel-Lindau syndrome. Last evaluated: 2025-06-12. Review status: criteria provided, single submitter. Criteria: Myriad Autosomal Dominant, Autosomal Recessive and X-Linked Classification Criteria (2023). Collection method: clinical testing. Allele origin: unknown.
Comment: This variant is considered benign. This variant is a silent/synonymous amino acid change and it is not expected to impact splicing.

Ambry Genetics
Classification: Likely benign for Hereditary cancer-predisposing syndrome. Last evaluated: 2022-04-05. Review status: criteria provided, single submitter. Criteria: Ambry Variant Classification Scheme 2023. Collection method: clinical testing. Allele origin: germline.

NM_000551.4(VHL):c.447C>T (p.Ala149=)

Genes: VHL (von Hippel-Lindau tumor suppressor; plus strand), LOC107303340 (3p25 von Hippel-Lindau tumor suppressor, E3 ubiquitin protein ligase Alu-mediated recombination region; plus strand). Cytogenetic location: 3p25.3.
Variant type: single nucleotide variant.
Coding change: c.447C>T on transcript NM_000551.4 (MANE Select); coding-DNA position 447, C replaced by T.
Protein change: p.Ala149=; no amino-acid change (alanine 149 retained).
Molecular consequence: synonymous variant. On other transcripts: intron variant (2).
Genome position (GRCh38, 1-based): chr3:10,146,620, C>T. VCF-style: chr3-10146620-C-T. GRCh37 (hg19) VCF-style: chr3-10188304-C-T.
Other names: c.*18-3167C>T (NM_001354723.2); c.341-3167C>T (NM_198156.3).
Identifiers: ClinVar variation 1118459 (VCV001118459.12), dbSNP rs2125128479, ClinGen allele CA432421907.